The following is an entry in ClinVar:

ClinVar aggregate classification (germline): Uncertain significance (1 of 4 stars; one submission).

Conditions:
Inborn genetic diseases. Identifiers: MedGen C0950123, MeSH D030342.

Submission:

Ambry Genetics
Classification: Uncertain significance for Inborn genetic diseases. Last evaluated: 2025-05-05. Review status: criteria provided, single submitter. Criteria: Ambry Variant Classification Scheme 2023. Collection method: clinical testing. Allele origin: germline.
Comment: The p.I1578F variant (also known as c.4732A>T), located in coding exon 1 of the SAMD9 gene, results from an A to T substitution at nucleotide position 4732. The isoleucine at codon 1578 is replaced by phenylalanine, an amino acid with highly similar properties. This amino acid position is conserved. In addition, this alteration is predicted to be tolerated by in silico analysis. Based on the available evidence, the clinical significance of this variant remains unclear.

NM_017654.4(SAMD9):c.4732A>T (p.Ile1578Phe)

Gene: SAMD9 (sterile alpha motif domain containing 9; minus strand). Cytogenetic location: 7q21.2.
Variant type: single nucleotide variant.
Coding change: c.4732A>T on transcript NM_017654.4 (MANE Select); coding-DNA position 4732, A replaced by T.
Protein change: p.Ile1578Phe; replaces isoleucine 1578 with phenylalanine.
Molecular consequence: missense variant.
Genome position (GRCh38, 1-based): chr7:93,101,366, T>A on the plus strand (A>T on the coding strand, the complement: SAMD9 is on the minus strand). VCF-style: chr7-93101366-T-A. GRCh37 (hg19) VCF-style: chr7-92730679-T-A.
Other names: c.4732A>T, p.Ile1578Phe (NM_001193307.2); short protein forms I1578F.
Identifiers: ClinVar variation 3949609 (VCV003949609.1).
Genomic context (GRCh38, chr7:93,101,366, plus strand): 5'-TTGGAGGAAGAATATCAGGCTCTTAAACAATTTCAATGTCATAAGCAAGTGGGCCTCCAA[T>A]GGAAAATCCCAGGTAAAAAGACACCTTCTCTATGCTTCTGCCACTTCTAAGTTGACCTAA-3'
Protein context (NP_060124.2, residues 1568-1588): EKVSFYLGFS[Ile1578Phe]GGPLAYDIEI